The following is an entry in ClinVar:

NM_032043.3(BRIP1):c.3703A>T (p.Lys1235Ter)

Gene: BRIP1 (BRCA1 interacting DNA helicase 1; minus strand). Cytogenetic location: 17q23.2.
Variant type: single nucleotide variant.
Coding change: c.3703A>T on transcript NM_032043.3 (MANE Select); coding-DNA position 3703, A replaced by T.
Protein change: p.Lys1235Ter; replaces lysine 1235 with a stop codon.
Molecular consequence: nonsense.
Genome position (GRCh38, 1-based): chr17:61,683,343, T>A on the plus strand (A>T on the coding strand, the complement: BRIP1 is on the minus strand). VCF-style: chr17-61683343-T-A. GRCh37 (hg19) VCF-style: chr17-59760704-T-A.
Other names: short protein forms K1235*.
Identifiers: ClinVar variation 1734118 (VCV001734118.2), dbSNP rs1567727245, ClinGen allele CA400477786.
Genomic context (GRCh38, chr17:61,683,343, plus strand): 5'-GAGTTAAGTATTATTACTTAAAACCAGGAAACATGCCTTTATTTTTGGAAGGAGATGGTT[T>A]AAAGTTCTTTATTTCTATTTCATGAGTTTTTCCCAGTTCCAGTTCATTTATCCAAGTTGT-3'

ClinVar aggregate classification (germline): Uncertain significance (1 of 4 stars; one submission).

Conditions:
Hereditary cancer-predisposing syndrome. Also called: Neoplastic Syndromes, Hereditary; Tumor predisposition; Hereditary Cancer Syndrome; Hereditary neoplastic syndrome. Identifiers: Orphanet 140162, MedGen C0027672, MeSH D009386, MONDO:0015356.

Submission:

Ambry Genetics
Classification: Uncertain significance for Hereditary cancer-predisposing syndrome. Last evaluated: 2020-01-08. Review status: criteria provided, single submitter. Criteria: Ambry Variant Classification Scheme 2023. Collection method: clinical testing. Allele origin: germline.
Comment: The p.K1235* variant (also known as c.3703A>T), located in coding exon 19 of the BRIP1 gene, results from an A to T substitution at nucleotide position 3703. This changes the amino acid from a lysine to a stop codon within coding exon 19. Premature stop codons are typically deleterious in nature, however, this stop codon occurs at the 3' terminus of BRIP1, is not expected to trigger nonsense-mediated mRNA decay, and removes only the last 15 amino acids of the protein. The exact functional impact of these removed amino acids is unknown at this time. Since supporting evidence is limited at this time, the clinical significance of this alteration remains unclear.